The following is an entry in ClinVar:

ClinVar aggregate classification (germline): Uncertain significance (1 of 4 stars; one submission).

Conditions:
Renal cell carcinoma. Identifiers: Orphanet 217071, MedGen C0007134, MeSH D002292, MONDO:0005086, HP:0005584.

Submission:

Labcorp Genetics (formerly Invitae), Labcorp
Classification: Uncertain significance for Renal cell carcinoma. Last evaluated: 2024-07-19. Review status: criteria provided, single submitter. Criteria: Invitae Variant Classification Sherloc (09022015). Collection method: clinical testing. Allele origin: germline.
Comment: This sequence change replaces aspartic acid, which is acidic and polar, with glutamic acid, which is acidic and polar, at codon 339 of the MET protein (p.Asp339Glu). This variant is not present in population databases (gnomAD no frequency). This variant has not been reported in the literature in individuals affected with MET-related conditions. Advanced modeling of protein sequence and biophysical properties (such as structural, functional, and spatial information, amino acid conservation, physicochemical variation, residue mobility, and thermodynamic stability) performed at Invitae indicates that this missense variant is not expected to disrupt MET protein function with a negative predictive value of 80%. In summary, the available evidence is currently insufficient to determine the role of this variant in disease. Therefore, it has been classified as a Variant of Uncertain Significance.

NM_000245.4(MET):c.1017T>G (p.Asp339Glu)

Gene: MET (MET proto-oncogene, receptor tyrosine kinase; plus strand). Cytogenetic location: 7q31.2.
Variant type: single nucleotide variant.
Coding change: c.1017T>G on transcript NM_000245.4 (MANE Select); coding-DNA position 1017, T replaced by G.
Protein change: p.Asp339Glu; replaces aspartic acid 339 with glutamic acid.
Molecular consequence: missense variant. On other transcripts: intron variant (1).
Genome position (GRCh38, 1-based): chr7:116,700,101, T>G. VCF-style: chr7-116700101-T-G. GRCh37 (hg19) VCF-style: chr7-116340155-T-G.
Other names: c.1017T>G, p.Asp339Glu (NM_001127500.3, NM_001324401.3); c.-91+27524T>G (NM_001324402.2); short protein forms D339E.
Identifiers: ClinVar variation 3659873 (VCV003659873.2).